The following is an entry in ClinVar:

NM_000350.3(ABCA4):c.3098del (p.Lys1033fs)

Gene: ABCA4 (ATP binding cassette subfamily A member 4; minus strand). Cytogenetic location: 1p22.1.
Variant type: Deletion.
Coding change: c.3098del on transcript NM_000350.3 (MANE Select); coding-DNA position 3098, one base deleted (A; older notation c.3098delA).
Protein change: p.Lys1033fs; shifts the reading frame from lysine 1033.
Molecular consequence: frameshift variant.
Genome position (GRCh38, 1-based): chr1:94,043,428, T deleted on the plus strand (A on the coding strand, the reverse complement: ABCA4 is on the minus strand); the first of 3 consecutive T bases (chr1:94,043,428-94,043,430); deleting any one gives the same sequence. VCF-style (leftmost placement, unchanged base first): chr1-94043427-CT-C. GRCh37 (hg19) VCF-style: chr1-94508983-CT-C.
Other names: NM_000350.3(ABCA4):c.3098del; p.Lys1033fs; c.2874delA, p.Lys959Serfs (NM_001425324.1); short protein forms K1033fs.
Identifiers: ClinVar variation 236516 (VCV000236516.1), dbSNP rs878853397, ClinGen allele CA10581650.

ClinVar aggregate classification (germline): Pathogenic. Review status: reviewed by expert panel (3 of 4 stars). 2 submissions from 2 submitters: Pathogenic (1). 1 of the submissions does not count toward it. Last evaluated 2025-12-05.

Conditions:
ABCA4-related retinopathy. Also called: ABCA4-related retinoapthy; ABCA4 retinoapthy. Identifiers: MedGen CN322612, MONDO:0800406.
Retinal dystrophy. Also called: Inherited retinal dystrophy. Identifiers: Orphanet 71862, MedGen C0854723, MeSH D058499, MONDO:0019118, HP:0000556.

Submissions (2):

ClinGen ABCA4 Variant Curation Expert Panel, Clingen
Classification: Pathogenic for ABCA4-related retinopathy. Last evaluated: 2025-12-05. Review status: reviewed by expert panel. Criteria: ClinGen ABCA4 ACMG Specifications V1.0.0. Collection method: curation. Allele origin: germline. Inheritance: Autosomal recessive inheritance.
Comment: The NM_000350.3(ABCA4):c.3098del (p.Lys1033SerfsTer?) variant in ABCA4 is a frameshift variant predicted to cause a premature stop codon in biologically relevant exon 21 out of 50 leading to nonsense mediated decay in a gene in which loss-of-function is an established disease mechanism (PVS1). The total minor allele frequency in gnomAD v4.1.0 is 0.000003717 (6/1614200 alleles), which is lower than the ClinGen ABCA4 VCEP’s threshold for PM2_Supporting (<0.0001). The prevalence of the variant in affected individuals is significantly increased compared with the prevalence in controls with an OR of infinity and the CI is 2.24-infinity, which is above the ABCA4 VCEP threshold of ≥5, where the CI does not contain 1 (PS4; PMID: 35120629). This variant has been detected in at least 1 individual with ABCA4-related retinopathy, and this individual was homozygous for the variant (PM3_Supporting; PMID: 27208204). In summary, this variant meets the criteria to be classified as pathogenic for ABCA4-related retinopathy based on the ACMG/AMP criteria applied, as specified by the ClinGen ABCA4 VCEP (Specification Version 1.0): PVS1, PS4, PM3_Supporting, PM2_Supporting.

Centre for Genomic Medicine, Manchester, Central Manchester University Hospitals
Classification: Likely pathogenic for Retinal dystrophy. Review status: no assertion criteria provided. Collection method: clinical testing. Allele origin: germline. Affected: yes. Not counted in ClinVar's aggregate classification.